The following is an entry in ClinVar:

NM_002566.5(P2RY11):c.259G>A (p.Ala87Thr)

Genes: P2RY11 (purinergic receptor P2Y11; plus strand), PPAN-P2RY11 (PPAN-P2RY11 readthrough; plus strand), LOC113939967 (Sharpr-MPRA regulatory region 3609; plus strand). Cytogenetic location: 19p13.2.
Variant type: single nucleotide variant.
Coding change: c.259G>A on transcript NM_002566.5 (MANE Select); coding-DNA position 259, G replaced by A.
Protein change: p.Ala87Thr; replaces alanine 87 with threonine.
Molecular consequence: missense variant. On other transcripts: 3 prime UTR variant (1).
Genome position (GRCh38, 1-based): chr19:10,113,872, G>A. VCF-style: chr19-10113872-G-A. GRCh37 (hg19) VCF-style: chr19-10224548-G-A.
Other names: c.1519G>A, p.Ala507Thr (NM_001040664.3); c.*18G>A (NM_001198690.2); short protein forms A507T, A87T.
Identifiers: ClinVar variation 3059970 (VCV003059970.2), dbSNP rs3745601, ClinGen allele CA9186360.

ClinVar aggregate classification (germline): Benign (0 of 4 stars; one submission).

Conditions:
P2RY11-related disorder. Also called: P2RY11-related condition.

Allele frequency attached by ClinVar (database versions not stated): ESP Exome Variant Server 0.11204; gnomAD exomes 0.12711; gnomAD 0.13128; TOPMed 0.13234; ExAC 0.15922; 1000 Genomes Project 30x 0.18051; 1000 Genomes Project 0.18251.
gnomAD v4.1: 205,817 of 1,609,842 alleles (13%); highest among the groups gnomAD compares: East Asian, 32%; 15,102 homozygotes.

Submission:

PreventionGenetics, part of Exact Sciences
Classification: Benign for P2RY11-related condition. Last evaluated: 2019-10-21. Review status: no assertion criteria provided. Collection method: clinical testing. Allele origin: germline.
Comment: This variant is classified as benign based on ACMG/AMP sequence variant interpretation guidelines (Richards et al. 2015 PMID: 25741868, with internal and published modifications).